The following is an entry in ClinVar:

NM_006939.4(SOS2):c.1446T>C (p.Ser482=)

Gene: SOS2 (SOS Ras/Rho guanine nucleotide exchange factor 2; minus strand). Cytogenetic location: 14q21.3.
Variant type: single nucleotide variant.
Coding change: c.1446T>C on transcript NM_006939.4 (MANE Select); coding-DNA position 1446, T replaced by C.
Protein change: p.Ser482=; no amino-acid change (serine 482 retained).
Molecular consequence: synonymous variant.
Genome position (GRCh38, 1-based): chr14:50,159,837, A>G on the plus strand (T>C on the coding strand, the complement: SOS2 is on the minus strand). VCF-style: chr14-50159837-A-G. GRCh37 (hg19) VCF-style: chr14-50626555-A-G.
Other names: c.1446T>C (NM_006939.2).
Identifiers: ClinVar variation 1126572 (VCV001126572.36), dbSNP rs1468565433, ClinGen allele CA486353270.

ClinVar aggregate classification (germline): Likely benign. Review status: criteria provided, multiple submitters, no conflicts (2 of 4 stars). 5 submissions from 5 submitters: Likely benign (5). Last evaluated 2025-12-21.

Conditions:
Cardiovascular phenotype. Identifiers: MedGen CN230736.
Noonan syndrome 9 (NS9). Identifiers: Orphanet 648, MedGen C4225282, MONDO:0014691, OMIM 616559.

Allele frequency attached by ClinVar (database versions not stated): gnomAD exomes below 0.00001 and 0.00001; gnomAD 0.00001; TOPMed 0.00001.
gnomAD v4.1: 7 of 1,614,138 alleles (0.00043%); highest among the groups gnomAD compares: Admixed American, 0.0033%; no homozygotes.

Submissions (5):

Labcorp Genetics (formerly Invitae), Labcorp
Classification: Likely benign for Noonan syndrome 9. Last evaluated: 2025-12-21. Review status: criteria provided, single submitter. Criteria: Invitae Variant Classification Sherloc (09022015). Collection method: clinical testing. Allele origin: germline.

CeGaT Center for Human Genetics Tuebingen
Classification: Likely benign. Last evaluated: 2023-07-01. Review status: criteria provided, single submitter. Criteria: CeGaT Center For Human Genetics Tuebingen Variant Classification Criteria Version 2. Collection method: clinical testing. Allele origin: germline. Affected: yes. Observed: 1 variant allele.
Comment: SOS2: BP4, BP7

Women's Health and Genetics/Laboratory Corporation of America, LabCorp
Classification: Likely benign. Last evaluated: 2022-09-17. Review status: criteria provided, single submitter. Criteria: LabCorp Variant Classification Summary - May 2015. Collection method: clinical testing. Allele origin: germline.

Ambry Genetics
Classification: Likely benign for Cardiovascular phenotype. Last evaluated: 2020-05-18. Review status: criteria provided, single submitter. Criteria: Ambry Variant Classification Scheme 2023. Collection method: clinical testing. Allele origin: germline.

Genome-Nilou Lab
Classification: Likely benign for Noonan syndrome 9. Review status: criteria provided, single submitter. Criteria: ACMG Guidelines, 2015. Collection method: clinical testing. Allele origin: germline.